The following is an entry in ClinVar:

ClinVar aggregate classification (germline): Benign/Likely benign. Review status: criteria provided, multiple submitters, no conflicts (2 of 4 stars). 3 submissions from 3 submitters: Benign (1); Likely benign (1). 1 of the submissions does not count toward it. Last evaluated 2026-02-02.

Conditions:
CPT1A-related disorder. Also called: CPT1A-related condition.
Carnitine palmitoyl transferase 1A deficiency. Also called: Carnitine palmitoyltransferase type I deficiency; Carnitine palmitoyltransferase 1A deficiency; CPT I DEFICIENCY; CPT DEFICIENCY, HEPATIC, TYPE I; CPT deficiency, hepatic, type IA. Identifiers: Orphanet 156, MedGen C1829703, MONDO:0009705, OMIM 255120.

Allele frequency attached by ClinVar (database versions not stated): 1000 Genomes Project 30x 0.00016; 1000 Genomes Project 0.00020; TOPMed 0.00067; gnomAD 0.00070; ESP Exome Variant Server 0.00108.
gnomAD v4.1: 251 of 1,613,348 alleles (0.016%); highest among the groups gnomAD compares: African/African-American, 0.23%; no homozygotes.

Submissions (3):

Labcorp Genetics (formerly Invitae), Labcorp
Classification: Benign for Carnitine palmitoyl transferase 1A deficiency. Last evaluated: 2026-02-02. Review status: criteria provided, single submitter. Criteria: Invitae Variant Classification Sherloc (09022015). Collection method: clinical testing. Allele origin: germline.

GeneDx
Classification: Likely benign. Last evaluated: 2016-06-20. Review status: criteria provided, single submitter. Criteria: GeneDx Variant Classification (06012015). Collection method: clinical testing. Allele origin: germline. Affected: yes.
Comment: This variant is considered likely benign or benign based on one or more of the following criteria: it is a conservative change, it occurs at a poorly conserved position in the protein, it is predicted to be benign by multiple in silico algorithms, and/or has population frequency not consistent with disease.

PreventionGenetics, part of Exact Sciences
Classification: Likely benign for CPT1A-related condition. Last evaluated: 2021-04-07. Review status: no assertion criteria provided. Collection method: clinical testing. Allele origin: germline. Not counted in ClinVar's aggregate classification.
Comment: This variant is classified as likely benign based on ACMG/AMP sequence variant interpretation guidelines (Richards et al. 2015 PMID: 25741868, with internal and published modifications).

NM_001876.4(CPT1A):c.453+9G>A

Gene: CPT1A (carnitine palmitoyltransferase 1A; minus strand). Cytogenetic location: 11q13.3.
Variant type: single nucleotide variant.
Coding change: c.453+9G>A on transcript NM_001876.4 (MANE Select); 9 bases into the intron after coding-DNA position 453, G replaced by A.
Molecular consequence: intron variant.
Genome position (GRCh38, 1-based): chr11:68,807,458, C>T on the plus strand (G>A on the coding strand, the complement: CPT1A is on the minus strand). VCF-style: chr11-68807458-C-T. GRCh37 (hg19) VCF-style: chr11-68574926-C-T.
Other names: c.453+9G>A (NM_001031847.3).
Identifiers: ClinVar variation 377753 (VCV000377753.14), dbSNP rs183694834, ClinGen allele CA6152676.